The following is an entry in ClinVar:

NM_000202.8(IDS):c.817del (p.Arg273fs)

Genes: IDS (iduronate 2-sulfatase; minus strand), LOC106050102 (IDS recombination region; plus strand). Cytogenetic location: Xq28.
Variant type: Deletion.
Coding change: c.817del on transcript NM_000202.8 (MANE Select); coding-DNA position 817, one base deleted (C; older notation c.817delC).
Protein change: p.Arg273fs; shifts the reading frame from arginine 273.
Molecular consequence: frameshift variant. On other transcripts: non-coding transcript variant (1).
Genome position (GRCh38, 1-based): chrX:149,496,408, G deleted on the plus strand (C on the coding strand, the reverse complement: IDS is on the minus strand). VCF-style (leftmost placement, unchanged base first): chrX-149496407-CG-C. GRCh37 (hg19) VCF-style: chrX-148577938-CG-C.
Other names: c.547del, p.Arg183fs (NM_001166550.4); c.817del, p.Arg273fs (NM_006123.5); short protein forms R183fs, R273fs.
Identifiers: ClinVar variation 3255855 (VCV003255855.2).

ClinVar aggregate classification (germline): Pathogenic (1 of 4 stars; one submission).

Conditions:
Mucopolysaccharidosis, MPS-II (MPS2). Also called: Hunter Syndrome; IDURONATE 2-SULFATASE DEFICIENCY; Mucopolysaccharidosis Type II; Mucopolysaccharidosis type 2; Attenuated MPS (subtype; formerly known as mild MPS II); Severe MPS II. Identifiers: Orphanet 580, Orphanet 79388, MedGen C0026705, MONDO:0010674, OMIM 309900.

Submission:

Laboratory of Diagnosis and Therapy of Lysosomal Disorders, University of Padova
Classification: Pathogenic for Mucopolysaccharidosis, MPS-II. Last evaluated: 2024-06-07. Review status: criteria provided, single submitter. Criteria: ACMG Guidelines, 2015. Collection method: literature only. Allele origin: germline. Affected: yes. Observed: 1 variant allele.
Comment: Null variant (PVS1_VeryStrong), Absent from controls (or at low frequency) in gnomAD database (PM2_Moderate), Patient’s phenotype or family history highly specific for the disease (PP4_Strong)

Classification method: ACMG Guidelines [PMID:25741868] with modifications

Literature cited by the submitters: PubMed 22976768.